The following is an entry in ClinVar:

ClinVar aggregate classification (germline): Likely pathogenic. Review status: criteria provided, single submitter (1 of 4 stars). 2 submissions from 2 submitters: Likely pathogenic (1). 1 of the submissions does not count toward it. Last evaluated 2021-10-31.

Conditions:
Atrial conduction disease. Identifiers: Orphanet 436242, MedGen CN221670, MONDO:0014500.

Submissions (2):

Labcorp Genetics (formerly Invitae), Labcorp
Classification: Likely pathogenic. Last evaluated: 2021-10-31. Review status: criteria provided, single submitter. Criteria: Invitae Variant Classification Sherloc (09022015). Collection method: clinical testing. Allele origin: germline.
Comment: This sequence change replaces glycine, which is neutral and non-polar, with aspartic acid, which is acidic and polar, at codon 526 of the TNNI3K protein (p.Gly526Asp). This variant is not present in population databases (gnomAD no frequency). This missense change has been observed in individual(s) with TNNI3K-related conditions (PMID: 24925317). It has also been observed to segregate with disease in related individuals. ClinVar contains an entry for this variant (Variation ID: 161447). Algorithms developed to predict the effect of missense changes on protein structure and function (SIFT, PolyPhen-2, Align-GVGD) all suggest that this variant is likely to be disruptive. Experimental studies have shown that this missense change affects TNNI3K function (PMID: 30010057). In summary, the currently available evidence indicates that the variant is pathogenic, but additional data are needed to prove that conclusively. Therefore, this variant has been classified as Likely Pathogenic.

OMIM
Classification: Pathogenic for CARDIAC CONDUCTION DISEASE WITH OR WITHOUT CARDIOMYOPATHY 1. Last evaluated: 2014-11-01. Review status: no assertion criteria provided. Collection method: literature only. Allele origin: germline. Not counted in ClinVar's aggregate classification.

Literature cited by the submitters: PubMed 24925317 (cited by Labcorp Genetics (formerly Invitae), Labcorp and OMIM); PubMed 30010057 (cited by Labcorp Genetics (formerly Invitae), Labcorp and OMIM).

NM_015978.3(TNNI3K):c.1577G>A (p.Gly526Asp)

Genes: FPGT-TNNI3K (FPGT-TNNI3K readthrough; plus strand), TNNI3K (TNNI3 interacting kinase; plus strand). Cytogenetic location: 1p31.1.
Variant type: single nucleotide variant.
Coding change: c.1577G>A on transcript NM_015978.3 (MANE Select); coding-DNA position 1577, G replaced by A.
Protein change: p.Gly526Asp; replaces glycine 526 with aspartic acid.
Molecular consequence: missense variant.
Genome position (GRCh38, 1-based): chr1:74,369,495, G>A. VCF-style: chr1-74369495-G-A. GRCh37 (hg19) VCF-style: chr1-74835179-G-A.
Other names: c.1880G>A, p.Gly627Asp (NM_001112808.3, NM_001199327.2); short protein forms G526D, G627D.
Identifiers: ClinVar variation 161447 (VCV000161447.9), dbSNP rs606231469, ClinGen allele CA174028.